The following is an entry in ClinVar:

ClinVar aggregate classification (germline): Conflicting classifications of pathogenicity. Review status: criteria provided, conflicting classifications (1 of 4 stars). 2 submissions from 2 submitters: Uncertain significance (1); Likely benign (1). Last evaluated 2021-07-13.

Conditions:
Developmental disorder. Identifiers: MedGen C0008073.
Intellectual disability. Also called: intellectual disabilities; Intellectual developmental disorder; Intellectual functioning disability. Identifiers: MedGen C3714756, MeSH D008607, MONDO:0001071, HP:0001249.

Submissions (2):

Department of Genetics, Rouen University Hospital, Normandy Center for Genomic and Personalized Medicine
Classification: Uncertain significance for Developmental disorder. Last evaluated: 2021-07-13. Review status: criteria provided, single submitter. Criteria: ACMG Guidelines, 2015. Collection method: clinical testing. Allele origin: paternal. Affected: yes.

Cytogénomique, Hospices Civils de Lyon
Classification: Likely benign for Intellectual disability. Last evaluated: 2021-05-11. Review status: criteria provided, single submitter. Criteria: ACMG Guidelines, 2015. Collection method: clinical testing. Allele origin: maternal. Inheritance: Autosomal dominant inheritance. Affected: yes. Observed: 1 variant allele, 1 heterozygote.

NM_001130438.3(SPTAN1):c.6979G>A (p.Glu2327Lys)

Gene: SPTAN1 (spectrin alpha, non-erythrocytic 1; plus strand). Cytogenetic location: 9q34.11.
Variant type: single nucleotide variant.
Coding change: c.6979G>A on transcript NM_001130438.3 (MANE Select); coding-DNA position 6979, G replaced by A.
Protein change: p.Glu2327Lys; replaces glutamic acid 2327 with lysine.
Molecular consequence: missense variant.
Genome position (GRCh38, 1-based): chr9:128,632,450, G>A. VCF-style: chr9-128632450-G-A. GRCh37 (hg19) VCF-style: chr9-131394729-G-A.
Other names: c.6904G>A, p.Glu2302Lys (NM_001195532.2); c.7042G>A, p.Glu2348Lys (NM_001363759.2); c.6919G>A, p.Glu2307Lys (NM_001363765.2, NM_001375314.2); c.7066G>A, p.Glu2356Lys (NM_001375310.1); c.6979G>A, p.Glu2327Lys (NM_001375311.2); c.7015G>A, p.Glu2339Lys (NM_001375312.2); c.6961G>A, p.Glu2321Lys (NM_001375313.1); c.7078G>A, p.Glu2360Lys (NM_001375318.1); and 1 more; short protein forms E2302K, E2307K, E2321K, E2322K, E2327K, E2339K, E2348K, E2356K.
Identifiers: ClinVar variation 1077157 (VCV001077157.3), dbSNP rs2132094752, ClinGen allele CA375099580.